The following is an entry in ClinVar:

NM_001349253.2(SCN11A):c.1120C>T (p.Leu374Phe)

Gene: SCN11A (sodium voltage-gated channel alpha subunit 11; minus strand). Cytogenetic location: 3p22.2.
Variant type: single nucleotide variant.
Coding change: c.1120C>T on transcript NM_001349253.2 (MANE Select); coding-DNA position 1120, C replaced by T.
Protein change: p.Leu374Phe; replaces leucine 374 with phenylalanine.
Molecular consequence: missense variant.
Genome position (GRCh38, 1-based): chr3:38,909,176, G>A on the plus strand (C>T on the coding strand, the complement: SCN11A is on the minus strand). VCF-style: chr3-38909176-G-A. GRCh37 (hg19) VCF-style: chr3-38950667-G-A.
Other names: c.1120C>T, p.Leu374Phe (NM_014139.3); short protein forms L374F.
Identifiers: ClinVar variation 1434851 (VCV001434851.8), dbSNP rs1434945788, ClinGen allele CA352168330.

ClinVar aggregate classification (germline): Uncertain significance (1 of 4 stars; one submission).

Conditions:
Familial episodic pain syndrome with predominantly lower limb involvement. Also called: Episodic pain syndrome, familial, 3. Identifiers: Orphanet 391384, Orphanet 391392, MedGen C3809899, MONDO:0014247, OMIM 615552.
Hereditary sensory and autonomic neuropathy type 7. Also called: Neuropathy, hereditary sensory and autonomic, type VII; HSAN VII. Identifiers: Orphanet 391397, MedGen C3809882, MONDO:0014244, OMIM 615548.

Allele frequency attached by ClinVar (database versions not stated): gnomAD exomes below 0.00001; TOPMed below 0.00001; gnomAD 0.00001.
gnomAD v4.1: 4 of 1,613,898 alleles (0.00025%); highest among the groups gnomAD compares: Non-Finnish European, 0.00034%; no homozygotes.

Submission:

Labcorp Genetics (formerly Invitae), Labcorp
Classification: Uncertain significance for Familial episodic pain syndrome with predominantly lower limb involvement; Hereditary sensory and autonomic neuropathy type 7. Last evaluated: 2021-03-07. Review status: criteria provided, single submitter. Criteria: Invitae Variant Classification Sherloc (09022015). Collection method: clinical testing. Allele origin: germline.
Comment: This sequence change replaces leucine with phenylalanine at codon 374 of the SCN11A protein (p.Leu374Phe). The leucine residue is weakly conserved and there is a small physicochemical difference between leucine and phenylalanine. This variant is not present in population databases (ExAC no frequency). This variant has not been reported in the literature in individuals with SCN11A-related conditions. Algorithms developed to predict the effect of missense changes on protein structure and function (SIFT, PolyPhen-2, Align-GVGD) all suggest that this variant is likely to be tolerated, but these predictions have not been confirmed by published functional studies and their clinical significance is uncertain. In summary, the available evidence is currently insufficient to determine the role of this variant in disease. Therefore, it has been classified as a Variant of Uncertain Significance.